The following is an entry in ClinVar:

ClinVar aggregate classification (germline): Uncertain significance (1 of 4 stars; one submission).

Allele frequency attached by ClinVar (database versions not stated): TOPMed 0.00002; ExAC 0.00003; gnomAD 0.00005; gnomAD exomes 0.00006; ESP Exome Variant Server 0.00008.

Submission:

Labcorp Genetics (formerly Invitae), Labcorp
Classification: Uncertain significance. Last evaluated: 2023-11-12. Review status: criteria provided, single submitter. Criteria: Invitae Variant Classification Sherloc (09022015). Collection method: clinical testing. Allele origin: germline.
Comment: This sequence change replaces methionine, which is neutral and non-polar, with threonine, which is neutral and polar, at codon 1236 of the TCF20 protein (p.Met1236Thr). This variant is present in population databases (rs150254562, gnomAD 0.006%). This variant has not been reported in the literature in individuals affected with TCF20-related conditions. ClinVar contains an entry for this variant (Variation ID: 2172754). An algorithm developed to predict the effect of missense changes on protein structure and function (PolyPhen-2) suggests that this variant is likely to be disruptive. In summary, the available evidence is currently insufficient to determine the role of this variant in disease. Therefore, it has been classified as a Variant of Uncertain Significance.

NM_001378418.1(TCF20):c.3707T>C (p.Met1236Thr)

Gene: TCF20 (transcription factor 20; minus strand). Cytogenetic location: 22q13.2.
Variant type: single nucleotide variant.
Coding change: c.3707T>C on transcript NM_001378418.1 (MANE Select); coding-DNA position 3707, T replaced by C.
Protein change: p.Met1236Thr; replaces methionine 1236 with threonine.
Molecular consequence: missense variant.
Genome position (GRCh38, 1-based): chr22:42,211,599, A>G on the plus strand (T>C on the coding strand, the complement: TCF20 is on the minus strand). VCF-style: chr22-42211599-A-G. GRCh37 (hg19) VCF-style: chr22-42607605-A-G.
Other names: c.3707T>C, p.Met1236Thr (NM_005650.4, NM_181492.3); short protein forms M1236T.
Identifiers: ClinVar variation 2172754 (VCV002172754.4), dbSNP rs150254562, ClinGen allele CA10266784.